The following is an entry in ClinVar:

ClinVar aggregate classification (germline): Conflicting classifications of pathogenicity. Review status: criteria provided, conflicting classifications (1 of 4 stars). 4 submissions from 4 submitters: Uncertain significance (3); Likely benign (1). Last evaluated 2026-02-01.

Conditions:
FBN2-related disorder. Also called: FBN2-related condition.
Congenital contractural arachnodactyly (CCA). Also called: BEALS SYNDROME; Beals-Hecht syndrome; Arthrogryposis, distal, type 9. Identifiers: Orphanet 115, MedGen C0220668, MONDO:0007363, OMIM 121050.

Allele frequency attached by ClinVar (database versions not stated): gnomAD 0.00001 and 0.00002; TOPMed 0.00003.
gnomAD v4.1: 9 of 1,614,052 alleles (0.00056%); highest among the groups gnomAD compares: East Asian, 0.0045%; no homozygotes.

Submissions (4):

Labcorp Genetics (formerly Invitae), Labcorp
Classification: Likely benign for Congenital contractural arachnodactyly. Last evaluated: 2026-02-01. Review status: criteria provided, single submitter. Criteria: Invitae Variant Classification Sherloc (09022015). Collection method: clinical testing. Allele origin: germline.

PreventionGenetics, part of Exact Sciences
Classification: Uncertain significance for FBN2-related condition. Last evaluated: 2024-12-31. Review status: criteria provided, single submitter. Criteria: ACMG Guidelines, 2015. Collection method: clinical testing. Allele origin: germline.
Comment: The FBN2 c.7405A>G variant is predicted to result in the amino acid substitution p.Met2469Val. To our knowledge, this variant has not been reported in the literature. This variant is reported in 0.0054% of alleles in individuals of East Asian descent in gnomAD. At this time, the clinical significance of this variant is uncertain due to the absence of conclusive functional and genetic evidence.

ARUP Laboratories, Molecular Genetics and Genomics, ARUP Laboratories
Classification: Uncertain significance. Last evaluated: 2022-07-08. Review status: criteria provided, single submitter. Criteria: ARUP Molecular Germline Variant Investigation Process 2021. Collection method: clinical testing. Allele origin: germline.
Comment: The FBN2 c.7405A>G; p.Met2469Val variant (rs863223546), to our knowledge, is not reported in the medical literature but reported in the ClinVar database (Variation ID: 213250). This variant is observed on two alleles in the Genome Aggregation Database. The methionine at codon 2469 is highly conserved, but computational analyses are uncertain whether this variant is neutral or deleterious (REVEL: 0.247). Due to limited information, the clinical significance of this variant is uncertain at this time.

GeneDx
Classification: Uncertain significance. Last evaluated: 2017-02-14. Review status: criteria provided, single submitter. Criteria: GeneDx Variant Classification (06012015). Collection method: clinical testing. Allele origin: germline. Affected: yes.
Comment: A variant of uncertain significance has been identified in the FBN2 gene. The M2469V variant has not been published as pathogenic or been reported as benign to our knowledge. This variant is not observed in large population cohorts (Lek et al., 2016; 1000 Genomes Consortium et al., 2015; Exome Variant Server). Nevertheless, the M2469V variant is a conservative amino acid substitution, which is not likely to impact secondary protein structure as these residues share similar properties. Additionally, this substitution occurs at a position that is not conserved. Furthermore, in silico analysis predicts this variant likely does not alter the protein structure/function. Although the M2469V variant is located within a calcium-binding EGF-like domain of the FBN2 gene, it does not affect a Cysteine residue. Cysteine substitutions in the calcium-binding EGF-like domains represent the majority of pathogenic missense changes associated with CCA (Collod-Beroud et al., 2003; Frederic et al., 2009).

NM_001999.4(FBN2):c.7405A>G (p.Met2469Val)

Gene: FBN2 (fibrillin 2; minus strand). Cytogenetic location: 5q23.3.
Variant type: single nucleotide variant.
Coding change: c.7405A>G on transcript NM_001999.4 (MANE Select); coding-DNA position 7405, A replaced by G.
Protein change: p.Met2469Val; replaces methionine 2469 with valine.
Molecular consequence: missense variant.
Genome position (GRCh38, 1-based): chr5:128,277,946, T>C on the plus strand (A>G on the coding strand, the complement: FBN2 is on the minus strand). VCF-style: chr5-128277946-T-C. GRCh37 (hg19) VCF-style: chr5-127613638-T-C.
Other names: short protein forms M2469V.
Identifiers: ClinVar variation 213250 (VCV000213250.15), dbSNP rs863223546, ClinGen allele CA321235.